The following is an entry in ClinVar:

ClinVar aggregate classification (germline): Pathogenic (1 of 4 stars; one submission).

Conditions:
Neuropathy, hereditary motor and sensory, type 6B (HMSN6B). Also called: NEUROPATHY, HEREDITARY MOTOR AND SENSORY, TYPE VIB, WITH OPTIC ATROPHY; HMSN VIB; CHARCOT-MARIE-TOOTH DISEASE, TYPE 6B; Neuropathy, hereditary motor and sensory, type VIB. Identifiers: MedGen C4225302, MONDO:0014671, OMIM 616505.

Submission:

Labcorp Genetics (formerly Invitae), Labcorp
Classification: Pathogenic for Neuropathy, hereditary motor and sensory, type 6B. Last evaluated: 2021-12-17. Review status: criteria provided, single submitter. Criteria: Invitae Variant Classification Sherloc (09022015). Collection method: clinical testing. Allele origin: germline.
Comment: This sequence change creates a premature translational stop signal (p.Lys206Asnfs*3) in the SLC25A46 gene. It is expected to result in an absent or disrupted protein product. Loss-of-function variants in SLC25A46 are known to be pathogenic (PMID: 26168012, 26951855, 27543974). For these reasons, this variant has been classified as Pathogenic. This variant has not been reported in the literature in individuals affected with SLC25A46-related conditions. This variant is present in population databases (no rsID available, gnomAD 0.009%).

Literature cited by the submitters: PubMed 26168012; PubMed 26951855; PubMed 27543974.

NM_138773.4(SLC25A46):c.618del (p.Lys206fs)

Gene: SLC25A46 (solute carrier family 25 member 46; plus strand). Cytogenetic location: 5q22.1.
Variant type: Deletion.
Coding change: c.618del on transcript NM_138773.4 (MANE Select); coding-DNA position 618, one base deleted (A; older notation c.618delA).
Protein change: p.Lys206fs; shifts the reading frame from lysine 206.
Molecular consequence: frameshift variant. On other transcripts: non-coding transcript variant (1).
Genome position (GRCh38, 1-based): chr5:110,755,519, A deleted; the last of 3 consecutive A bases (chr5:110,755,517-110,755,519); deleting any one gives the same sequence. VCF-style (leftmost placement, unchanged base first): chr5-110755516-GA-G. GRCh37 (hg19) VCF-style: chr5-110091216-GA-G.
Other names: c.618del, p.Lys206fs (NM_001303249.3); c.345del, p.Lys115fs (NM_001303250.3); short protein forms K115fs, K206fs.
Identifiers: ClinVar variation 1441240 (VCV001441240.6), dbSNP rs1371249361, ClinGen allele CA562040583.